The following is an entry in ClinVar:

ClinVar aggregate classification (germline): Uncertain significance. Review status: criteria provided, multiple submitters, no conflicts (2 of 4 stars). 2 submissions from 2 submitters: Uncertain significance (2). Last evaluated 2026-01-21.

Conditions:
Hereditary cancer-predisposing syndrome. Also called: Neoplastic Syndromes, Hereditary; Hereditary Cancer Syndrome; Tumor predisposition; Hereditary neoplastic syndrome. Identifiers: Orphanet 140162, MedGen C0027672, MeSH D009386, MONDO:0015356.
Tumor predisposition syndrome 3 (TPDS3). Also called: Melanoma, cutaneous malignant, susceptibility to, 10; Glioma susceptibility 9; LONG TELOMERE SYNDROME, POT1-RELATED; POT1 Tumor Predisposition. Identifiers: Orphanet 618, MedGen C4014476, MONDO:0014368, OMIM 615848.

Submissions (2):

Labcorp Genetics (formerly Invitae), Labcorp
Classification: Uncertain significance for Tumor predisposition syndrome 3. Last evaluated: 2026-01-21. Review status: criteria provided, single submitter. Criteria: Invitae Variant Classification Sherloc (09022015). Collection method: clinical testing. Allele origin: germline.
Comment: This variant, c.1648_1683dup, results in the insertion of 12 amino acid(s) of the POT1 protein (p.Asp550_Asp561dup), but otherwise preserves the integrity of the reading frame. This variant is not present in population databases (gnomAD no frequency). This variant has not been reported in the literature in individuals affected with POT1-related conditions. ClinVar contains an entry for this variant (Variation ID: 640872). Experimental studies and prediction algorithms are not available or were not evaluated, and the functional significance of this variant is currently unknown. In summary, the available evidence is currently insufficient to determine the role of this variant in disease. Therefore, it has been classified as a Variant of Uncertain Significance.

Ambry Genetics
Classification: Uncertain significance for Hereditary cancer-predisposing syndrome. Last evaluated: 2025-10-02. Review status: criteria provided, single submitter. Criteria: Ambry Variant Classification Scheme 2023. Collection method: clinical testing. Allele origin: germline.
Comment: The c.1648_1683dup36 variant (also known as p.D550_D561dup), located in coding exon 13 of the POT1 gene, results from an in-frame duplication of 36 nucleotides at nucleotide positions 1648 to 1683. This results in the duplication of 12 extra residues (DGTGVLEAYLMD) between codons 550 and 561. This amino acid region is generally well conserved in available vertebrate species. In addition, this variant is predicted to be deleterious by in silico analysis (Choi Y et al. PLoS ONE. 2012; 7(10):e46688). Based on the available evidence, the clinical significance of this variant remains unclear.

NM_015450.3(POT1):c.1648_1683dup (p.Asp550_Asp561dup)

Gene: POT1 (protection of telomeres 1; minus strand). Cytogenetic location: 7q31.33.
Variant type: Duplication.
Coding change: c.1648_1683dup on transcript NM_015450.3 (MANE Select); coding-DNA positions 1648 to 1683, 36 bases duplicated.
Protein change: p.Asp550_Asp561dup.
Molecular consequence: inframe insertion. On other transcripts: non-coding transcript variant (3).
Genome position (GRCh38, 1-based): chr7:124,827,217-124,827,252, 36 bases duplicated; duplicating any 36 consecutive bases within chr7:124,827,217-124,827,255 gives the same sequence; the c. name uses the placement nearest the transcript's 3' end. GRCh37 (hg19): chr7:124,467,274-124,467,309.
Other names: c.1648_1683dupGATGGAACAGGAGTACTAGAAGCCTATCTCATGGAT (NM_015450.2); c.1255_1290dup, p.Asp419_Asp430dup (NM_001042594.2).
Identifiers: ClinVar variation 640872 (VCV000640872.12), dbSNP rs1584747723, ClinGen allele CA915945494.